The following is an entry in ClinVar:

NM_021813.4(BACH2):c.1004T>C (p.Val335Ala)

Gene: BACH2 (BACH transcriptional regulator 2; minus strand). Cytogenetic location: 6q15.
Variant type: single nucleotide variant.
Coding change: c.1004T>C on transcript NM_021813.4 (MANE Select); coding-DNA position 1004, T replaced by C.
Protein change: p.Val335Ala; replaces valine 335 with alanine.
Molecular consequence: missense variant.
Genome position (GRCh38, 1-based): chr6:89,951,102, A>G on the plus strand (T>C on the coding strand, the complement: BACH2 is on the minus strand). VCF-style: chr6-89951102-A-G. GRCh37 (hg19) VCF-style: chr6-90660821-A-G.
Other names: c.1004T>C (NM_021813.2, NM_021813.3); c.1004T>C, p.Val335Ala (NM_001170794.2); short protein forms V335A.
Identifiers: ClinVar variation 1411879 (VCV001411879.8), dbSNP rs145918737, ClinGen allele CA3928060.

ClinVar aggregate classification (germline): Uncertain significance. Review status: criteria provided, multiple submitters, no conflicts (2 of 4 stars). 3 submissions from 3 submitters: Uncertain significance (3). Last evaluated 2025-06-09.

Conditions:
BACH2-related disorder. Also called: BACH2-related condition.

Allele frequency attached by ClinVar (database versions not stated): ExAC 0.00002; gnomAD 0.00003 and 0.00004; gnomAD exomes 0.00003 and 0.00008; TOPMed 0.00004; ESP Exome Variant Server 0.00008.
gnomAD v4.1: 123 of 1,612,472 alleles (0.0076%); highest among the groups gnomAD compares: Non-Finnish European, 0.01%; no homozygotes.

Submissions (3):

Labcorp Genetics (formerly Invitae), Labcorp
Classification: Uncertain significance. Last evaluated: 2025-06-09. Review status: criteria provided, single submitter. Criteria: Invitae Variant Classification Sherloc (09022015). Collection method: clinical testing. Allele origin: germline.
Comment: This sequence change replaces valine, which is neutral and non-polar, with alanine, which is neutral and non-polar, at codon 335 of the BACH2 protein (p.Val335Ala). This variant is present in population databases (rs145918737, gnomAD 0.005%). This variant has not been reported in the literature in individuals affected with BACH2-related conditions. ClinVar contains an entry for this variant (Variation ID: 1411879). Invitae Evidence Modeling of protein sequence and biophysical properties (such as structural, functional, and spatial information, amino acid conservation, physicochemical variation, residue mobility, and thermodynamic stability) indicates that this missense variant is not expected to disrupt BACH2 protein function with a negative predictive value of 80%. In summary, the available evidence is currently insufficient to determine the role of this variant in disease. Therefore, it has been classified as a Variant of Uncertain Significance.

PreventionGenetics, part of Exact Sciences
Classification: Uncertain significance for BACH2-related condition. Last evaluated: 2024-12-21. Review status: criteria provided, single submitter. Criteria: ACMG Guidelines, 2015. Collection method: clinical testing. Allele origin: germline.
Comment: The BACH2 c.1004T>C variant is predicted to result in the amino acid substitution p.Val335Ala. To our knowledge, this variant has not been reported in the literature. This variant is reported in 0.0054% of alleles in individuals of European (Non-Finnish) descent in gnomAD. At this time, the clinical significance of this variant is uncertain due to the absence of conclusive functional and genetic evidence.

Ambry Genetics
Classification: Uncertain significance. Last evaluated: 2024-09-30. Review status: criteria provided, single submitter. Criteria: Ambry Variant Classification Scheme 2023. Collection method: clinical testing. Allele origin: germline.